The following is an entry in ClinVar:

NM_000245.4(MET):c.1697A>C (p.Tyr566Ser)

Gene: MET (MET proto-oncogene, receptor tyrosine kinase; plus strand). Cytogenetic location: 7q31.2.
Variant type: single nucleotide variant.
Coding change: c.1697A>C on transcript NM_000245.4 (MANE Select); coding-DNA position 1697, A replaced by C.
Protein change: p.Tyr566Ser; replaces tyrosine 566 with serine.
Molecular consequence: missense variant.
Genome position (GRCh38, 1-based): chr7:116,741,021, A>C. VCF-style: chr7-116741021-A-C. GRCh37 (hg19) VCF-style: chr7-116381075-A-C.
Other names: c.1697A>C, p.Tyr566Ser (NM_001127500.3, NM_001324401.3); c.407A>C, p.Tyr136Ser (NM_001324402.2); short protein forms Y136S, Y566S.
Identifiers: ClinVar variation 4106785 (VCV004106785.1).
Genomic context (GRCh38, chr7:116,741,021, plus strand): 5'-TGCGATCGGAGGAATGCCTGAGCGGGACATGGACTCAACAGATCTGTCTGCCTGCAATCT[A>C]CAAGGTAGGAATCTCTAACAGCTGGCATACATGTTTTTGTTTGGTGTTTTTTTTTTTTTT-3'
Protein context (NP_000236.2, residues 556-576): WTQQICLPAI[Tyr566Ser]KVFPNSAPLE

ClinVar aggregate classification (germline): Uncertain significance (1 of 4 stars; one submission).

Conditions:
Hereditary cancer-predisposing syndrome. Also called: Tumor predisposition; Neoplastic Syndromes, Hereditary; Hereditary neoplastic syndrome; Hereditary Cancer Syndrome. Identifiers: Orphanet 140162, MedGen C0027672, MeSH D009386, MONDO:0015356.

Submission:

Ambry Genetics
Classification: Uncertain significance for Hereditary cancer-predisposing syndrome. Last evaluated: 2025-08-12. Review status: criteria provided, single submitter. Criteria: Ambry Variant Classification Scheme 2023. Collection method: clinical testing. Allele origin: germline.
Comment: The p.Y566S variant (also known as c.1697A>C), located in coding exon 4 of the MET gene, results from an A to C substitution at nucleotide position 1697. The tyrosine at codon 566 is replaced by serine, an amino acid with dissimilar properties. This amino acid position is conserved. In addition, this alteration is predicted to be tolerated by in silico analysis. Based on the available evidence, the clinical significance of this variant remains unclear.